The following is an entry in ClinVar:

NM_017760.7(NCAPG2):c.2381C>T (p.Thr794Met)

Gene: NCAPG2 (non-SMC condensin II complex subunit G2; minus strand). Cytogenetic location: 7q36.3.
Variant type: single nucleotide variant.
Coding change: c.2381C>T on transcript NM_017760.7 (MANE Select); coding-DNA position 2381, C replaced by T.
Protein change: p.Thr794Met; replaces threonine 794 with methionine.
Molecular consequence: missense variant. On other transcripts: non-coding transcript variant (1).
Genome position (GRCh38, 1-based): chr7:158,656,267, G>A on the plus strand (C>T on the coding strand, the complement: NCAPG2 is on the minus strand). VCF-style: chr7-158656267-G-A. GRCh37 (hg19) VCF-style: chr7-158448959-G-A.
Other names: c.2381C>T, p.Thr794Met (NM_001281932.2, NM_001281933.2); short protein forms T794M.
Identifiers: ClinVar variation 719441 (VCV000719441.6), dbSNP rs10248318, ClinGen allele CA4592581.
Genomic context (GRCh38, chr7:158,656,267, plus strand): 5'-TTGTCACCCCCACAATCATAGGAAACCACTCAACTCTCAGGGCACAGAGTTACCTTTGAC[G>A]TTTCAAGGGCTTTCAAAAGATGGTTAAGTTTCTTCCGAGGAGCAGAGAGCAAGCACTCGC-3'
Protein context (NP_060230.5, residues 784-804): KLNHLLKALE[Thr794Met]SKADLESLLQ

ClinVar aggregate classification (germline): Benign. Review status: criteria provided, multiple submitters, no conflicts (2 of 4 stars). 3 submissions from 3 submitters: Benign (2). 1 of the submissions does not count toward it. Last evaluated 2018-05-18.

Conditions:
NCAPG2-related disorder. Also called: NCAPG2-related condition.

Allele frequency attached by ClinVar (database versions not stated): gnomAD exomes 0.00064 and 0.00147; ExAC 0.00178; 1000 Genomes Project 30x 0.00468; 1000 Genomes Project 0.00479; ESP Exome Variant Server 0.00527; gnomAD 0.00572 and 0.00616; TOPMed 0.00667.
gnomAD v4.1: 1,850 of 1,613,966 alleles (0.11%); highest among the groups gnomAD compares: African/African-American, 2%; 16 homozygotes.

Submissions (3):

Labcorp Genetics (formerly Invitae), Labcorp
Classification: Benign. Last evaluated: 2018-05-18. Review status: criteria provided, single submitter. Criteria: Invitae Variant Classification Sherloc (09022015). Collection method: clinical testing. Allele origin: germline.

Breakthrough Genomics
Classification: Benign. Review status: criteria provided, single submitter. Criteria: ACMG Guidelines, 2015. Collection method: not provided. Allele origin: germline. Inheritance: Autosomal recessive inheritance. Affected: yes.

PreventionGenetics, part of Exact Sciences
Classification: Benign for NCAPG2-related condition. Last evaluated: 2019-07-11. Review status: no assertion criteria provided. Collection method: clinical testing. Allele origin: germline. Not counted in ClinVar's aggregate classification.
Comment: This variant is classified as benign based on ACMG/AMP sequence variant interpretation guidelines (Richards et al. 2015 PMID: 25741868, with internal and published modifications).